The following is an entry in ClinVar:

NM_001164508.2(NEB):c.23385T>G (p.Tyr7795Ter)

Genes: NEB (nebulin; minus strand), RIF1 (replication timing regulatory factor 1; plus strand). Cytogenetic location: 2q23.3.
Variant type: single nucleotide variant.
Coding change: c.23385T>G on transcript NM_001164508.2 (MANE Select); coding-DNA position 23385, T replaced by G.
Protein change: p.Tyr7795Ter; replaces tyrosine 7795 with a stop codon.
Molecular consequence: nonsense.
Genome position (GRCh38, 1-based): chr2:151,508,071, A>C on the plus strand (T>G on the coding strand, the complement: NEB is on the minus strand). VCF-style: chr2-151508071-A-C. GRCh37 (hg19) VCF-style: chr2-152364585-A-C.
Other names: c.23385T>G, p.Tyr7795Ter (NM_001164507.2); c.23490T>G, p.Tyr7830Ter (NM_001271208.2); c.18282T>G, p.Tyr6094Ter (NM_004543.5); short protein forms Y7795*, Y6094*, Y7830*.
Identifiers: ClinVar variation 1456494 (VCV001456494.6), dbSNP rs2153218155, ClinGen allele CA348785392.

ClinVar aggregate classification (germline): Pathogenic (1 of 4 stars; one submission).

Conditions:
Nemaline myopathy 2 (NEM2). Also called: Nemaline myopathy 2, autosomal recessive. Identifiers: MedGen C1850569, MONDO:0009725, OMIM 256030.

Submission:

Labcorp Genetics (formerly Invitae), Labcorp
Classification: Pathogenic for Nemaline myopathy 2. Last evaluated: 2021-10-24. Review status: criteria provided, single submitter. Criteria: Invitae Variant Classification Sherloc (09022015). Collection method: clinical testing. Allele origin: germline.
Comment: This variant is not present in population databases (ExAC no frequency). This sequence change creates a premature translational stop signal (p.Tyr7830*) in the NEB gene. It is expected to result in an absent or disrupted protein product. Loss-of-function variants in NEB are known to be pathogenic (PMID: 25205138). This variant has not been reported in the literature in individuals affected with NEB-related conditions. For these reasons, this variant has been classified as Pathogenic.

Literature cited by the submitters: PubMed 25205138.